The following is an entry in ClinVar:

NM_002617.4(PEX10):c.944C>G (p.Pro315Arg)

Gene: PEX10 (peroxisomal biogenesis factor 10; minus strand). Cytogenetic location: 1p36.32.
Variant type: single nucleotide variant.
Coding change: c.944C>G on transcript NM_002617.4 (MANE Select); coding-DNA position 944, C replaced by G.
Protein change: p.Pro315Arg; replaces proline 315 with arginine.
Molecular consequence: missense variant. On other transcripts: non-coding transcript variant (1).
Genome position (GRCh38, 1-based): chr1:2,405,803, G>C on the plus strand (C>G on the coding strand, the complement: PEX10 is on the minus strand). VCF-style: chr1-2405803-G-C. GRCh37 (hg19) VCF-style: chr1-2337242-G-C.
Other names: c.1001C>G, p.Pro334Arg (NM_001374425.1); c.569C>G, p.Pro190Arg (NM_001374426.1); c.512C>G, p.Pro171Arg (NM_001374427.1); c.1004C>G, p.Pro335Arg (NM_153818.2); short protein forms P315R, P171R, P190R, P334R, P335R.
Identifiers: ClinVar variation 1434831 (VCV001434831.8), dbSNP rs2100418995, ClinGen allele CA337982934.

ClinVar aggregate classification (germline): Uncertain significance (1 of 4 stars; one submission).

Conditions:
Peroxisome biogenesis disorder, complementation group 7 (CG7). Also called: Peroxisome biogenesis disorder, complementation group B. Identifiers: MedGen C1864399.

Submission:

Labcorp Genetics (formerly Invitae), Labcorp
Classification: Uncertain significance for Peroxisome biogenesis disorder, complementation group 7. Last evaluated: 2021-03-08. Review status: criteria provided, single submitter. Criteria: Invitae Variant Classification Sherloc (09022015). Collection method: clinical testing. Allele origin: germline.
Comment: This variant is not present in population databases (ExAC no frequency). This sequence change replaces proline with arginine at codon 335 of the PEX10 protein (p.Pro335Arg). The proline residue is moderately conserved and there is a moderate physicochemical difference between proline and arginine. This variant has not been reported in the literature in individuals with PEX10-related conditions. Algorithms developed to predict the effect of missense changes on protein structure and function (SIFT, PolyPhen-2, Align-GVGD) all suggest that this variant is likely to be tolerated, but these predictions have not been confirmed by published functional studies and their clinical significance is uncertain. In summary, the available evidence is currently insufficient to determine the role of this variant in disease. Therefore, it has been classified as a Variant of Uncertain Significance.